The following is an entry in ClinVar:

ClinVar aggregate classification (germline): Uncertain significance (1 of 4 stars; one submission).

Submission:

CeGaT Center for Human Genetics Tuebingen
Classification: Uncertain significance. Last evaluated: 2026-07-01. Review status: criteria provided, single submitter. Criteria: CeGaT Center For Human Genetics Tuebingen Variant Classification Criteria Version 2. Collection method: clinical testing. Allele origin: germline. Affected: yes. Observed: 1 variant allele.
Comment: GFM2: PM2

NM_032380.5(GFM2):c.1105G>A (p.Ala369Thr)

Gene: GFM2 (GTP dependent ribosome recycling factor mitochondrial GFM2; minus strand). Cytogenetic location: 5q13.3.
Variant type: single nucleotide variant.
Coding change: c.1105G>A on transcript NM_032380.5 (MANE Select); coding-DNA position 1105, G replaced by A.
Protein change: p.Ala369Thr; replaces alanine 369 with threonine.
Molecular consequence: missense variant. On other transcripts: non-coding transcript variant (1), intron variant (1).
Genome position (GRCh38, 1-based): chr5:74,738,617, C>T on the plus strand (G>A on the coding strand, the complement: GFM2 is on the minus strand). VCF-style: chr5-74738617-C-T. GRCh37 (hg19) VCF-style: chr5-74034442-C-T.
Other names: c.1201G>A, p.Ala401Thr (NM_001281302.2); c.1105G>A, p.Ala369Thr (NM_170681.3); c.1080-200G>A (NM_170691.3); short protein forms A369T, A401T.
Identifiers: ClinVar variation 5040322 (VCV005040322.1).